The following is an entry in ClinVar:

ClinVar aggregate classification (germline): Uncertain significance (1 of 4 stars; one submission).

Conditions:
Propionic acidemia (PROP). Also called: GLYCINEMIA, KETOTIC; HYPERGLYCINEMIA WITH KETOACIDOSIS AND LEUKOPENIA; KETOTIC HYPERGLYCINEMIA. Identifiers: Orphanet 35, MedGen C0268579, MONDO:0011628, OMIM 606054, HP:0003571.

gnomAD v4.1: 1 of 1,614,114 alleles (0.000062%); highest among the groups gnomAD compares: Admixed American, 0.0017%; no homozygotes.

Submission:

Labcorp Genetics (formerly Invitae), Labcorp
Classification: Uncertain significance for Propionic acidemia. Last evaluated: 2022-07-08. Review status: criteria provided, single submitter. Criteria: Invitae Variant Classification Sherloc (09022015). Collection method: clinical testing. Allele origin: germline.
Comment: This sequence change replaces lysine, which is basic and polar, with arginine, which is basic and polar, at codon 648 of the PCCA protein (p.Lys648Arg). This variant is not present in population databases (gnomAD no frequency). This variant has not been reported in the literature in individuals affected with PCCA-related conditions. Advanced modeling of protein sequence and biophysical properties (such as structural, functional, and spatial information, amino acid conservation, physicochemical variation, residue mobility, and thermodynamic stability) performed at Invitae indicates that this missense variant is not expected to disrupt PCCA protein function. In summary, the available evidence is currently insufficient to determine the role of this variant in disease. Therefore, it has been classified as a Variant of Uncertain Significance.

NM_000282.4(PCCA):c.1943A>G (p.Lys648Arg)

Gene: PCCA (propionyl-CoA carboxylase subunit alpha; plus strand). Cytogenetic location: 13q32.3.
Variant type: single nucleotide variant.
Coding change: c.1943A>G on transcript NM_000282.4 (MANE Select); coding-DNA position 1943, A replaced by G.
Protein change: p.Lys648Arg; replaces lysine 648 with arginine.
Molecular consequence: missense variant. On other transcripts: non-coding transcript variant (4), intron variant (2).
Genome position (GRCh38, 1-based): chr13:100,515,470, A>G. VCF-style: chr13-100515470-A-G. GRCh37 (hg19) VCF-style: chr13-101167724-A-G.
Other names: c.1865A>G, p.Lys622Arg (NM_001127692.3); c.1889A>G, p.Lys630Arg (NM_001352605.2); c.1799A>G, p.Lys600Arg (NM_001352606.2); c.1721A>G, p.Lys574Arg (NM_001352608.2); c.998A>G, p.Lys333Arg (NM_001352610.2); c.944A>G, p.Lys315Arg (NM_001352611.2); c.854A>G, p.Lys285Arg (NM_001352612.2); c.1900-12205A>G (NM_001178004.2); and 1 more; short protein forms K315R, K630R, K648R, K285R, K574R, K600R, K333R, K622R.
Identifiers: ClinVar variation 1920839 (VCV001920839.2), dbSNP rs1489785929, ClinGen allele CA388640241.